The following is an entry in ClinVar:

ClinVar aggregate classification (germline): Uncertain significance. Review status: criteria provided, multiple submitters, no conflicts (2 of 4 stars). 2 submissions from 2 submitters: Uncertain significance (2). Last evaluated 2023-01-24.

Conditions:
Inborn genetic diseases. Identifiers: MedGen C0950123, MeSH D030342.
Muscular dystrophy-dystroglycanopathy (congenital with brain and eye anomalies), type A9. Also called: WALKER-WARBURG SYNDROME OR MUSCLE-EYE BRAIN DISEASE, DAG1-RELATED; Muscular dystrophy-dystroglycanopathy (congenital with brain and eye anomalies), type a, 9. Identifiers: Orphanet 370997, Orphanet 899, MedGen C4225291, MONDO:0014683, OMIM 616538.
Autosomal recessive limb-girdle muscular dystrophy type 2P. Also called: MUSCULAR DYSTROPHY-DYSTROGLYCANOPATHY, LIMB-GIRDLE, DAG1-RELATED; MUSCULAR DYSTROPHY, LIMB-GIRDLE, TYPE 2P; Limb-Girdle Muscular Dystrophy Type 9C. Identifiers: Orphanet 280333, MedGen C4511963, MONDO:0013440, OMIM 613818.

Allele frequency attached by ClinVar (database versions not stated): gnomAD exomes below 0.00001; TOPMed below 0.00001.

Submissions (2):

Ambry Genetics
Classification: Uncertain significance for Inborn genetic diseases. Last evaluated: 2023-01-24. Review status: criteria provided, single submitter. Criteria: Ambry Variant Classification Scheme 2023. Collection method: clinical testing. Allele origin: germline.

Labcorp Genetics (formerly Invitae), Labcorp
Classification: Uncertain significance for Autosomal recessive limb-girdle muscular dystrophy type 2P; Muscular dystrophy-dystroglycanopathy (congenital with brain and eye anomalies), type A9. Last evaluated: 2019-10-14. Review status: criteria provided, single submitter. Criteria: Invitae Variant Classification Sherloc (09022015). Collection method: clinical testing. Allele origin: germline.
Comment: In summary, the available evidence is currently insufficient to determine the role of this variant in disease. Therefore, it has been classified as a Variant of Uncertain Significance. Algorithms developed to predict the effect of missense changes on protein structure and function (SIFT, PolyPhen-2, Align-GVGD) all suggest that this variant is likely to be tolerated, but these predictions have not been confirmed by published functional studies and their clinical significance is uncertain. This variant has not been reported in the literature in individuals with DAG1-related conditions. This sequence change replaces alanine with valine at codon 285 of the DAG1 protein (p.Ala285Val). The alanine residue is weakly conserved and there is a small physicochemical difference between alanine and valine. This variant is not present in population databases (ExAC no frequency).

NM_004393.6(DAG1):c.854C>T (p.Ala285Val)

Gene: DAG1 (dystroglycan 1; plus strand). Cytogenetic location: 3p21.31.
Variant type: single nucleotide variant.
Coding change: c.854C>T on transcript NM_004393.6 (MANE Select); coding-DNA position 854, C replaced by T.
Protein change: p.Ala285Val; replaces alanine 285 with valine.
Molecular consequence: missense variant.
Genome position (GRCh38, 1-based): chr3:49,531,365, C>T. VCF-style: chr3-49531365-C-T. GRCh37 (hg19) VCF-style: chr3-49568798-C-T.
Other names: c.854C>T, p.Ala285Val (NM_001165928.4, NM_001177634.3, NM_001177635.3 and 9 more transcripts); c.854C>T (NM_004393.4); short protein forms A285V.
Identifiers: ClinVar variation 647093 (VCV000647093.7), dbSNP rs1235865427, ClinGen allele CA352794228.